The following is an entry in ClinVar:

ClinVar aggregate classification (germline): Uncertain significance (1 of 4 stars; one submission).

Conditions:
Perlman syndrome (PRLMNS). Identifiers: Orphanet 2849, MedGen C0796113, MONDO:0009965, OMIM 267000.

gnomAD v4.1: 1 of 545,872 alleles (0.00018%); highest among the groups gnomAD compares: Non-Finnish European, 0.00029%; no homozygotes.

Submission:

Labcorp Genetics (formerly Invitae), Labcorp
Classification: Uncertain significance for Perlman syndrome. Last evaluated: 2022-04-08. Review status: criteria provided, single submitter. Criteria: Invitae Variant Classification Sherloc (09022015). Collection method: clinical testing. Allele origin: germline.
Comment: This sequence change affects codon 580 of the DIS3L2 mRNA. It is a 'silent' change, meaning that it does not change the encoded amino acid sequence of the DIS3L2 protein. It affects a nucleotide within the consensus splice site. This variant is not present in population databases (gnomAD no frequency). This variant has not been reported in the literature in individuals affected with DIS3L2-related conditions. Algorithms developed to predict the effect of sequence changes on RNA splicing suggest that this variant is not likely to affect RNA splicing. In summary, the available evidence is currently insufficient to determine the role of this variant in disease. Therefore, it has been classified as a Variant of Uncertain Significance.

NM_152383.5(DIS3L2):c.1740G>A (p.Lys580=)

Gene: DIS3L2 (DIS3 like 3'-5' exoribonuclease 2; plus strand). Cytogenetic location: 2q37.1.
Variant type: single nucleotide variant.
Coding change: c.1740G>A on transcript NM_152383.5 (MANE Select); coding-DNA position 1740, G replaced by A.
Protein change: p.Lys580=; no amino-acid change (lysine 580 retained).
Molecular consequence: synonymous variant. On other transcripts: intron variant (1).
Genome position (GRCh38, 1-based): chr2:232,329,813, G>A. VCF-style: chr2-232329813-G-A. GRCh37 (hg19) VCF-style: chr2-233194523-G-A.
Other names: c.1582-13532G>A (NM_001257281.2).
Identifiers: ClinVar variation 2123071 (VCV002123071.4), dbSNP rs555184370, ClinGen allele CA431777206.